The following is an entry in ClinVar:

ClinVar aggregate classification (germline): Uncertain significance (1 of 4 stars; one submission).

Conditions:
Hereditary cancer-predisposing syndrome. Also called: Tumor predisposition; Neoplastic Syndromes, Hereditary; Hereditary neoplastic syndrome; Hereditary Cancer Syndrome. Identifiers: Orphanet 140162, MedGen C0027672, MeSH D009386, MONDO:0015356.

Submission:

Ambry Genetics
Classification: Uncertain significance for Hereditary cancer-predisposing syndrome. Last evaluated: 2024-11-27. Review status: criteria provided, single submitter. Criteria: Ambry Variant Classification Scheme 2023. Collection method: clinical testing. Allele origin: germline.
Comment: The p.L1224F variant (also known as c.3670C>T), located in coding exon 24 of the ATM gene, results from a C to T substitution at nucleotide position 3670. The leucine at codon 1224 is replaced by phenylalanine, an amino acid with highly similar properties. This amino acid position is not well conserved in available vertebrate species. In addition, this alteration is predicted to be tolerated by in silico analysis. Based on the available evidence, the clinical significance of this variant remains unclear.

NM_000051.4(ATM):c.3670C>T (p.Leu1224Phe)

Gene: ATM (ATM serine/threonine kinase; plus strand). Cytogenetic location: 11q22.3.
Variant type: single nucleotide variant.
Coding change: c.3670C>T on transcript NM_000051.4 (MANE Select); coding-DNA position 3670, C replaced by T.
Protein change: p.Leu1224Phe; replaces leucine 1224 with phenylalanine.
Molecular consequence: missense variant.
Genome position (GRCh38, 1-based): chr11:108,282,803, C>T. VCF-style: chr11-108282803-C-T. GRCh37 (hg19) VCF-style: chr11-108153530-C-T.
Other names: c.3670C>T, p.Leu1224Phe (NM_001351834.2); short protein forms L1224F.
Identifiers: ClinVar variation 3452639 (VCV003452639.1).